The following is an entry in ClinVar:

NM_015047.3(EMC1):c.636+4C>G

Gene: EMC1 (ER membrane protein complex subunit 1; minus strand). Cytogenetic location: 1p36.13.
Variant type: single nucleotide variant.
Coding change: c.636+4C>G on transcript NM_015047.3 (MANE Select); 4 bases into the intron after coding-DNA position 636, C replaced by G.
Molecular consequence: intron variant.
Genome position (GRCh38, 1-based): chr1:19,241,012, G>C on the plus strand (C>G on the coding strand, the complement: EMC1 is on the minus strand). VCF-style: chr1-19241012-G-C. GRCh37 (hg19) VCF-style: chr1-19567506-G-C.
Other names: c.570+4C>G (NM_001271429.2); c.636+4C>G (NM_001271427.2, NM_001375821.1, NM_001271428.2 and 1 more transcripts).
Identifiers: ClinVar variation 2992898 (VCV002992898.3), dbSNP rs1245462656, ClinGen allele CA521517027.

ClinVar aggregate classification (germline): Uncertain significance (1 of 4 stars; one submission).

Allele frequency attached by ClinVar (database versions not stated): TOPMed 0.00001.
gnomAD v4.1: 4 of 1,613,990 alleles (0.00025%); highest among the groups gnomAD compares: Admixed American, 0.0067%; no homozygotes.

Submission:

Labcorp Genetics (formerly Invitae), Labcorp
Classification: Uncertain significance. Last evaluated: 2023-02-08. Review status: criteria provided, single submitter. Criteria: Invitae Variant Classification Sherloc (09022015). Collection method: clinical testing. Allele origin: germline.
Comment: This sequence change falls in intron 6 of the EMC1 gene. It does not directly change the encoded amino acid sequence of the EMC1 protein. It affects a nucleotide within the consensus splice site. This variant is present in population databases (no rsID available, gnomAD 0.009%). This variant has not been reported in the literature in individuals affected with EMC1-related conditions. Variants that disrupt the consensus splice site are a relatively common cause of aberrant splicing (PMID: 17576681, 9536098). Algorithms developed to predict the effect of sequence changes on RNA splicing suggest that this variant is not likely to affect RNA splicing. In summary, the available evidence is currently insufficient to determine the role of this variant in disease. Therefore, it has been classified as a Variant of Uncertain Significance.

Literature cited by the submitters: PubMed 17576681; PubMed 9536098.